The following is an entry in ClinVar:

NM_002230.4(JUP):c.49C>T (p.Gln17Ter)

Gene: JUP (junction plakoglobin; minus strand). Cytogenetic location: 17q21.2.
Variant type: single nucleotide variant.
Coding change: c.49C>T on transcript NM_002230.4 (MANE Select); coding-DNA position 49, C replaced by T.
Protein change: p.Gln17Ter; replaces glutamine 17 with a stop codon.
Molecular consequence: nonsense.
Genome position (GRCh38, 1-based): chr17:41,771,806, G>A on the plus strand (C>T on the coding strand, the complement: JUP is on the minus strand). VCF-style: chr17-41771806-G-A. GRCh37 (hg19) VCF-style: chr17-39928058-G-A.
Other names: c.49C>T, p.Gln17Ter (NM_001352773.2, NM_001352774.2, NM_001352775.2 and 3 more transcripts); short protein forms Q17*.
Identifiers: ClinVar variation 3757877 (VCV003757877.2).

ClinVar aggregate classification (germline): Pathogenic (1 of 4 stars; one submission).

Conditions:
Arrhythmogenic right ventricular dysplasia 12. Also called: ARRHYTHMOGENIC RIGHT VENTRICULAR DYSPLASIA, FAMILIAL, 12. Identifiers: MedGen C1969081, MONDO:0012684, OMIM 611528.
Naxos disease (NXD). Also called: KERATOSIS PALMOPLANTARIS WITH ARRHYTHMOGENIC CARDIOMYOPATHY; MAL DE NAXOS; PALMOPLANTAR KERATODERMA WITH ARRHYTHMOGENIC RIGHT VENTRICULAR CARDIOMYOPATHY AND WOOLLY HAIR; WOOLLY HAIR, PALMOPLANTAR KERATODERMA, AND CARDIAC ABNORMALITIES; CARDIOMYOPATHY, ARRHYTHMOGENIC RIGHT VENTRICULAR, WITH SKIN, HAIR, AND NAIL ABNORMALITIES. Identifiers: Orphanet 34217, MedGen C1832600, MONDO:0011017, OMIM 601214.

gnomAD v4.1: 1 of 1,613,962 alleles (0.000062%); highest among the groups gnomAD compares: South Asian, 0.0011%; no homozygotes.

Submission:

Labcorp Genetics (formerly Invitae), Labcorp
Classification: Pathogenic for Arrhythmogenic right ventricular dysplasia 12; Naxos disease. Last evaluated: 2024-08-28. Review status: criteria provided, single submitter. Criteria: Invitae Variant Classification Sherloc (09022015). Collection method: clinical testing. Allele origin: germline.
Comment: This sequence change creates a premature translational stop signal (p.Gln17*) in the JUP gene. It is expected to result in an absent or disrupted protein product. Loss-of-function variants in JUP are known to be pathogenic (PMID: 10902626). This variant is present in population databases (rs782409726, gnomAD 0.003%). This variant has not been reported in the literature in individuals affected with JUP-related conditions. For these reasons, this variant has been classified as Pathogenic.

Literature cited by the submitters: PubMed 10902626.